The following is an entry in ClinVar:

ClinVar aggregate classification (germline): Uncertain significance (1 of 4 stars; one submission).

Submission:

GeneDx
Classification: Uncertain significance. Last evaluated: 2025-10-11. Review status: criteria provided, single submitter. Criteria: GeneDx Variant Classification Process June 2021. Collection method: clinical testing. Allele origin: germline.
Comment: Frameshift variant predicted to result in abnormal protein length as the last 30 amino acids are replaced with 7 different amino acids; Not observed at significant frequency in large population cohorts (gnomAD); Has not been previously published as pathogenic or benign to our knowledge

NM_006914.4(RORB):c.1290del (p.Phe430fs)

Genes: RORB (RAR related orphan receptor B; plus strand), LOC124310566 (Sharpr-MPRA regulatory region 9792; plus strand). Cytogenetic location: 9q21.13.
Variant type: Deletion.
Coding change: c.1290del on transcript NM_006914.4 (MANE Select); coding-DNA position 1290, one base deleted (T; older notation c.1290delT).
Protein change: p.Phe430fs; shifts the reading frame from phenylalanine 430.
Molecular consequence: frameshift variant.
Genome position (GRCh38, 1-based): chr9:74,685,528, T deleted; the last of 3 consecutive T bases (chr9:74,685,526-74,685,528); deleting any one gives the same sequence. VCF-style (leftmost placement, unchanged base first): chr9-74685525-AT-A. GRCh37 (hg19) VCF-style: chr9-77300441-AT-A.
Other names: c.1323del, p.Phe441fs (NM_001365023.1); short protein forms F430fs, F441fs.
Identifiers: ClinVar variation 3363671 (VCV003363671.2).